The following is an entry in ClinVar:

ClinVar aggregate classification (germline): Uncertain significance. Review status: criteria provided, multiple submitters, no conflicts (2 of 4 stars). 2 submissions from 2 submitters: Uncertain significance (2). Last evaluated 2022-05-11.

Conditions:
Inborn genetic diseases. Identifiers: MedGen C0950123, MeSH D030342.

Allele frequency attached by ClinVar (database versions not stated): ExAC 0.00001; gnomAD 0.00001; TOPMed 0.00001; ESP Exome Variant Server 0.00015.

Submissions (2):

Ambry Genetics
Classification: Uncertain significance for Inborn genetic diseases. Last evaluated: 2022-05-11. Review status: criteria provided, single submitter. Criteria: Ambry Variant Classification Scheme 2023. Collection method: clinical testing. Allele origin: germline.

Labcorp Genetics (formerly Invitae), Labcorp
Classification: Uncertain significance. Last evaluated: 2021-12-28. Review status: criteria provided, single submitter. Criteria: Invitae Variant Classification Sherloc (09022015). Collection method: clinical testing. Allele origin: germline.
Comment: In summary, the available evidence is currently insufficient to determine the role of this variant in disease. Therefore, it has been classified as a Variant of Uncertain Significance. Algorithms developed to predict the effect of sequence changes on RNA splicing suggest that this variant may create or strengthen a splice site. Algorithms developed to predict the effect of missense changes on protein structure and function are either unavailable or do not agree on the potential impact of this missense change (SIFT: "Deleterious"; PolyPhen-2: "Probably Damaging"; Align-GVGD: "Class C15"). This variant has not been reported in the literature in individuals affected with PYROXD1-related conditions. This variant is present in population databases (rs368405102, gnomAD 0.007%). This sequence change replaces glycine, which is neutral and non-polar, with arginine, which is basic and polar, at codon 232 of the PYROXD1 protein (p.Gly232Arg).

NM_024854.5(PYROXD1):c.694G>A (p.Gly232Arg)

Gene: PYROXD1 (pyridine nucleotide-disulphide oxidoreductase domain 1; plus strand). Cytogenetic location: 12p12.1.
Variant type: single nucleotide variant.
Coding change: c.694G>A on transcript NM_024854.5 (MANE Select); coding-DNA position 694, G replaced by A.
Protein change: p.Gly232Arg; replaces glycine 232 with arginine.
Molecular consequence: missense variant. On other transcripts: 5 prime UTR variant (1).
Genome position (GRCh38, 1-based): chr12:21,456,039, G>A. VCF-style: chr12-21456039-G-A. GRCh37 (hg19) VCF-style: chr12-21608973-G-A.
Other names: c.481G>A, p.Gly161Arg (NM_001350912.2); c.-84G>A (NM_001350913.2); short protein forms G232R, G161R.
Identifiers: ClinVar variation 2064103 (VCV002064103.5), dbSNP rs368405102, ClinGen allele CA6478296.